The following is an entry in ClinVar:

NM_002734.5(PRKAR1A):c.206A>G (p.Gln69Arg)

Gene: PRKAR1A (protein kinase cAMP-dependent type I regulatory subunit alpha; plus strand). Cytogenetic location: 17q24.2.
Variant type: single nucleotide variant.
Coding change: c.206A>G on transcript NM_002734.5 (MANE Select); coding-DNA position 206, A replaced by G.
Protein change: p.Gln69Arg; replaces glutamine 69 with arginine.
Molecular consequence: missense variant.
Genome position (GRCh38, 1-based): chr17:68,522,784, A>G. VCF-style: chr17-68522784-A-G. GRCh37 (hg19) VCF-style: chr17-66518925-A-G.
Other names: c.206A>G, p.Gln69Arg (NM_001276289.2, NM_001276290.1, NM_001278433.2 and 4 more transcripts); short protein forms Q69R.
Identifiers: ClinVar variation 820646 (VCV000820646.16), dbSNP rs920361727, ClinGen allele CA293288905.

ClinVar aggregate classification (germline): Uncertain significance. Review status: criteria provided, multiple submitters, no conflicts (2 of 4 stars). 3 submissions from 3 submitters: Uncertain significance (3). Last evaluated 2025-05-15.

Conditions:
Acrodysostosis 1 with or without hormone resistance (ACRDYS1). Also called: ACRODYSOSTOSIS WITH HORMONE RESISTANCE; ACRODYSOSTOSIS 1 WITH HORMONE RESISTANCE; ACRODYSOSTOSIS 1 WITHOUT HORMONE RESISTANCE. Identifiers: Orphanet 280651, MedGen C3276228, MONDO:0007044, OMIM 101800.
Carney complex, type 1 (CNC1). Also called: CARNEY MYXOMA-ENDOCRINE COMPLEX; CARNEY COMPLEX, TYPE I. Identifiers: Orphanet 1359, MedGen C2607929, MONDO:0008057, OMIM 160980.
Hereditary cancer-predisposing syndrome. Also called: Neoplastic Syndromes, Hereditary; Tumor predisposition; Hereditary Cancer Syndrome; Hereditary neoplastic syndrome. Identifiers: Orphanet 140162, MedGen C0027672, MeSH D009386, MONDO:0015356.

Allele frequency attached by ClinVar (database versions not stated): gnomAD exomes below 0.00001 and 0.00001; gnomAD 0.00001; TOPMed 0.00001.
gnomAD v4.1: 5 of 1,614,036 alleles (0.00031%); highest among the groups gnomAD compares: African/African-American, 0.0013%; no homozygotes.

Submissions (3):

Ambry Genetics
Classification: Uncertain significance for Hereditary cancer-predisposing syndrome. Last evaluated: 2025-05-15. Review status: criteria provided, single submitter. Criteria: Ambry Variant Classification Scheme 2023. Collection method: clinical testing. Allele origin: germline.
Comment: The p.Q69R variant (also known as c.206A>G), located in coding exon 2 of the PRKAR1A gene, results from an A to G substitution at nucleotide position 206. The glutamine at codon 69 is replaced by arginine, an amino acid with highly similar properties. This alteration has been detected in an individual with a clinical diagnosis of Carney Complex (Horvath A et al. Hum. Mutat., 2010 Apr;31:369-79). This amino acid position is well conserved in available vertebrate species. In addition, this alteration is predicted to be deleterious by in silico analysis. Based on the available evidence, the clinical significance of this alteration remains unclear.

Labcorp Genetics (formerly Invitae), Labcorp
Classification: Uncertain significance for Carney complex, type 1. Last evaluated: 2025-02-18. Review status: criteria provided, single submitter. Criteria: Invitae Variant Classification Sherloc (09022015). Collection method: clinical testing. Allele origin: germline.
Comment: This sequence change replaces glutamine, which is neutral and polar, with arginine, which is basic and polar, at codon 69 of the PRKAR1A protein (p.Gln69Arg). This variant is present in population databases (no rsID available, gnomAD 0.002%). This missense change has been observed in individual(s) with Carney complex (PMID: 20358582). ClinVar contains an entry for this variant (Variation ID: 820646). Invitae Evidence Modeling of protein sequence and biophysical properties (such as structural, functional, and spatial information, amino acid conservation, physicochemical variation, residue mobility, and thermodynamic stability) indicates that this missense variant is not expected to disrupt PRKAR1A protein function with a negative predictive value of 95%. In summary, the available evidence is currently insufficient to determine the role of this variant in disease. Therefore, it has been classified as a Variant of Uncertain Significance.

Baylor Genetics
Classification: Uncertain significance for Acrodysostosis 1 with or without hormone resistance. Last evaluated: 2024-03-18. Review status: criteria provided, single submitter. Criteria: ACMG Guidelines, 2015. Collection method: clinical testing. Allele origin: unknown.

Literature cited by the submitters: PubMed 20358582 (cited by Ambry Genetics and Labcorp Genetics (formerly Invitae), Labcorp).